The following is an entry in ClinVar:

NM_001031689.3(PLAA):c.400A>G (p.Thr134Ala)

Gene: PLAA (phospholipase A2 activating protein; minus strand). Cytogenetic location: 9p21.2.
Variant type: single nucleotide variant.
Coding change: c.400A>G on transcript NM_001031689.3 (MANE Select); coding-DNA position 400, A replaced by G.
Protein change: p.Thr134Ala; replaces threonine 134 with alanine.
Molecular consequence: missense variant.
Genome position (GRCh38, 1-based): chr9:26,928,352, T>C on the plus strand (A>G on the coding strand, the complement: PLAA is on the minus strand). VCF-style: chr9-26928352-T-C. GRCh37 (hg19) VCF-style: chr9-26928350-T-C.
Other names: c.400A>G (NM_001031689.2); c.400A>G, p.Thr134Ala (NM_001321546.2); short protein forms T134A.
Identifiers: ClinVar variation 1377359 (VCV001377359.6), dbSNP rs558480029, ClinGen allele CA5014642.

ClinVar aggregate classification (germline): Uncertain significance. Review status: criteria provided, multiple submitters, no conflicts (2 of 4 stars). 2 submissions from 2 submitters: Uncertain significance (2). Last evaluated 2025-08-28.

Conditions:
Inborn genetic diseases. Identifiers: MedGen C0950123, MeSH D030342.

Allele frequency attached by ClinVar (database versions not stated): TOPMed 0.00002; gnomAD 0.00003 and 0.00007; gnomAD exomes 0.00004 and 0.00009; ExAC 0.00012; 1000 Genomes Project 30x 0.00047; 1000 Genomes Project 0.00060.
gnomAD v4.1: 71 of 1,614,154 alleles (0.0044%); highest among the groups gnomAD compares: South Asian, 0.057%; 1 homozygote.

Submissions (2):

Ambry Genetics
Classification: Uncertain significance for Inborn genetic diseases. Last evaluated: 2025-08-28. Review status: criteria provided, single submitter. Criteria: Ambry Variant Classification Scheme 2023. Collection method: clinical testing. Allele origin: germline.

Labcorp Genetics (formerly Invitae), Labcorp
Classification: Uncertain significance. Last evaluated: 2021-08-14. Review status: criteria provided, single submitter. Criteria: Invitae Variant Classification Sherloc (09022015). Collection method: clinical testing. Allele origin: germline.
Comment: This sequence change replaces threonine with alanine at codon 134 of the PLAA protein (p.Thr134Ala). The threonine residue is highly conserved and there is a small physicochemical difference between threonine and alanine. This variant is present in population databases (rs558480029, ExAC 0.08%). This variant has not been reported in the literature in individuals affected with PLAA-related conditions. Algorithms developed to predict the effect of missense changes on protein structure and function are either unavailable or do not agree on the potential impact of this missense change (SIFT: "Deleterious"; PolyPhen-2: "Probably Damaging"; Align-GVGD: "Class C0"). In summary, the available evidence is currently insufficient to determine the role of this variant in disease. Therefore, it has been classified as a Variant of Uncertain Significance.